The following is an entry in ClinVar:

ClinVar aggregate classification (germline): Pathogenic. Review status: criteria provided, multiple submitters, no conflicts (2 of 4 stars). 2 submissions from 2 submitters: Pathogenic (2). Last evaluated 2026-02-22.

Conditions:
Autism, susceptiblity to. Also called: Austism, susceptibility to. Identifiers: MedGen CN301178, MONDO:0020836.

Submissions (2):

GeneDx
Classification: Pathogenic. Last evaluated: 2026-02-22. Review status: criteria provided, single submitter. Criteria: GeneDx Variant Classification Process June 2021. Collection method: clinical testing. Allele origin: germline.
Comment: Not observed at significant frequency in large population cohorts (gnomAD); In silico analysis supports that this missense variant has a deleterious effect on protein structure/function; This variant is associated with the following publications: (PMID: 38025430, 39519104, 41176275)

Qatar Biomedical Research Institute, Hamad Bin Khalifa University
Classification: Pathogenic for Autism, susceptiblity to. Last evaluated: 2023-07-08. Review status: criteria provided, single submitter. Criteria: ACMG Guidelines, 2015. Collection method: research. Allele origin: de novo. Inheritance: Autosomal dominant inheritance. Affected: yes. Observed: 1 heterozygote.
Comment: This variant was not found in large sequencing databases and with 0.0001% frequency in Qatar population database. For the DEAF1 variant G225V, the structural modeling based on Alphafold prediction revealed a severe steric hindrance between the side chain of V225 and the main chain carbonyl atoms of Arg218 and Ala283. As a result, the G225V substitution is expected to impair proper protein folding and induce structural instability within the SAND domain (residues 193-273) of DEAF1. ACMG interpretation as PS2, PS4, PM2, PP2, PP3 indicated it as pathogenic variant. In summary, the p.G225V variant in DEAF1 meets our criteria to be classified as pathogenic due to being de novo, absence from controls, ACMG interpretation and results of protein modeling.

NM_021008.4(DEAF1):c.674G>T (p.Gly225Val)

Gene: DEAF1 (DEAF1 transcription factor; minus strand). Cytogenetic location: 11p15.5.
Variant type: single nucleotide variant.
Coding change: c.674G>T on transcript NM_021008.4 (MANE Select); coding-DNA position 674, G replaced by T.
Protein change: p.Gly225Val; replaces glycine 225 with valine.
Molecular consequence: missense variant. On other transcripts: 5 prime UTR variant (4), intron variant (1).
Genome position (GRCh38, 1-based): chr11:686,988, C>A on the plus strand (G>T on the coding strand, the complement: DEAF1 is on the minus strand). VCF-style: chr11-686988-C-A. GRCh37 (hg19) VCF-style: chr11-686988-C-A.
Other names: c.-53G>T (NM_001367390.1, NM_001440885.1, NM_001440886.1 and 1 more transcripts); c.674G>T, p.Gly225Val (NM_001440883.1, NM_001440884.1); c.664+923G>T (NM_001293634.2); c.674G>T (NM_021008.2); short protein forms G225V.
Identifiers: ClinVar variation 2571614 (VCV002571614.3), dbSNP rs2133402741, ClinGen allele CA378932895.